The following is an entry in ClinVar:

NM_000059.4(BRCA2):c.8140C>A (p.Gln2714Lys)

Gene: BRCA2 (BRCA2 DNA repair associated; plus strand). Cytogenetic location: 13q13.1.
Variant type: single nucleotide variant.
Coding change: c.8140C>A on transcript NM_000059.4 (MANE Select); coding-DNA position 8140, C replaced by A.
Protein change: p.Gln2714Lys; replaces glutamine 2714 with lysine.
Molecular consequence: missense variant.
Genome position (GRCh38, 1-based): chr13:32,363,342, C>A. VCF-style: chr13-32363342-C-A. GRCh37 (hg19) VCF-style: chr13-32937479-C-A.
Other names: c.8044C>A, p.Gln2682Lys (NM_001406719.1); c.8140C>A, p.Gln2714Lys (NM_001406720.1); c.3208C>A, p.Gln1070Lys (NM_001406721.1); c.1723C>A, p.Gln575Lys (NM_001406722.1); short protein forms Q1070K, Q2682K, Q2714K, Q575K.
Identifiers: ClinVar variation 1997834 (VCV001997834.4), dbSNP rs80359058, ClinGen allele CA387749473.

ClinVar aggregate classification (germline): Uncertain significance (1 of 4 stars; one submission).

Conditions:
Hereditary breast ovarian cancer syndrome. Also called: Breast and ovarian cancer; Hereditary breast and ovarian cancer syndrome; BRCA1- and BRCA2-Associated Hereditary Breast and Ovarian Cancer; Hereditary breast and ovarian cancer syndrome (HBOC); Hereditary breast and/or ovarian cancer syndrome; Hereditary breast and ovarian cancer. Identifiers: Orphanet 145, MedGen C0677776, MeSH D061325, MONDO:0003582. Disease mechanism: loss of function.

Submission:

Labcorp Genetics (formerly Invitae), Labcorp
Classification: Uncertain significance for Hereditary breast ovarian cancer syndrome. Last evaluated: 2022-05-22. Review status: criteria provided, single submitter. Criteria: Invitae Variant Classification Sherloc (09022015). Collection method: clinical testing. Allele origin: germline.
Comment: This sequence change replaces glutamine, which is neutral and polar, with lysine, which is basic and polar, at codon 2714 of the BRCA2 protein (p.Gln2714Lys). In summary, the available evidence is currently insufficient to determine the role of this variant in disease. Therefore, it has been classified as a Variant of Uncertain Significance. Advanced modeling of protein sequence and biophysical properties (such as structural, functional, and spatial information, amino acid conservation, physicochemical variation, residue mobility, and thermodynamic stability) performed at Invitae indicates that this missense variant is not expected to disrupt BRCA2 protein function. This variant has not been reported in the literature in individuals affected with BRCA2-related conditions. This variant is not present in population databases (gnomAD no frequency).